The following is an entry in ClinVar:

ClinVar aggregate classification (germline): Conflicting classifications of pathogenicity. Review status: criteria provided, conflicting classifications (1 of 4 stars). 2 submissions from 2 submitters: Uncertain significance (1); Likely benign (1). Last evaluated 2026-03-30.

Conditions:
Cardiovascular phenotype. Identifiers: MedGen CN230736.

Allele frequency attached by ClinVar (database versions not stated): gnomAD 0.00001.

Submissions (2):

Ambry Genetics
Classification: Likely benign for Cardiovascular phenotype. Last evaluated: 2026-03-30. Review status: criteria provided, single submitter. Criteria: Ambry Variant Classification Scheme 2023. Collection method: clinical testing. Allele origin: germline.

Labcorp Genetics (formerly Invitae), Labcorp
Classification: Uncertain significance. Last evaluated: 2025-11-18. Review status: criteria provided, single submitter. Criteria: Invitae Variant Classification Sherloc (09022015). Collection method: clinical testing. Allele origin: germline.
Comment: This sequence change replaces serine, which is neutral and polar, with arginine, which is basic and polar, at codon 42 of the ALPK3 protein (p.Ser42Arg). This variant is present in population databases (rs764593970, gnomAD 0.007%). This variant has not been reported in the literature in individuals affected with ALPK3-related conditions. ClinVar contains an entry for this variant (Variation ID: 2076381). An algorithm developed to predict the effect of missense changes on protein structure and function (PolyPhen-2) suggests that this variant is likely to be tolerated. In summary, the available evidence is currently insufficient to determine the role of this variant in disease. Therefore, it has been classified as a Variant of Uncertain Significance.

NC_000015.10:g.84816972C>G

Gene: ALPK3 (alpha kinase 3; plus strand). Cytogenetic location: 15q25.3.
Variant type: single nucleotide variant.
Genome position: GRCh38 VCF-style: chr15-84816972-C-G. GRCh37 (hg19) VCF-style: chr15-85360203-C-G.
Other names: short protein forms S42R.
Identifiers: ClinVar variation 2076381 (VCV002076381.5), dbSNP rs764593970, ClinGen allele CA7708795.